The following is an entry in ClinVar:

NM_000540.3(RYR1):c.13597AAG[1] (p.Lys4534del)

Gene: RYR1 (ryanodine receptor 1; plus strand). Cytogenetic location: 19q13.2.
Variant type: Microsatellite.
Coding change: c.13597AAG[1] on transcript NM_000540.3 (MANE Select); one copy of the 3-base unit AAG starting at c.13597; the reference has two copies in a row; one copy, 3 bases deleted.
Protein change: p.Lys4534del; deletes lysine 4534.
Molecular consequence: inframe deletion.
Genome position (GRCh38, 1-based): chr19:38,567,858-38,567,860, AAG deleted; deleting any 3 consecutive bases within chr19:38,567,855-38,567,860 gives the same sequence; the position shown is the placement nearest the transcript's 3' end. VCF-style (leftmost placement, unchanged base first): chr19-38567854-AAAG-A. GRCh37 (hg19) VCF-style: chr19-39058494-AAAG-A.
Other names: c.13582AAG[1], p.Lys4529del (NM_001042723.2); c.13600_13602delAAG (NM_000540.2); short protein forms K4534del, K4529del.
Identifiers: ClinVar variation 590434 (VCV000590434.3), dbSNP rs1336472022, ClinGen allele CA632874296.

ClinVar aggregate classification (germline): Uncertain significance (0 of 4 stars; one submission).

Conditions:
RYR1-related disorder. Also called: RYR1-related disorders; RYR1-related condition. Identifiers: MedGen CN239331.

Submission:

PreventionGenetics, part of Exact Sciences
Classification: Uncertain significance for RYR1-related condition. Last evaluated: 2024-08-01. Review status: no assertion criteria provided. Collection method: clinical testing. Allele origin: germline.
Comment: The RYR1 c.13600_13602delAAG variant is predicted to result in an in-frame deletion (p.Lys4534del). This variant has been observed in only 1 out of 243,856 alleles in a large population database, indicating it is rare. To our knowledge, this variant has not been reported in the literature. Similar in-frame deletions in the C-terminus of the ryanodine receptor protein are reported to be causative for central core disease (Monnier et al. 2001. PubMed ID: 11709545). However, at this time, the clinical significance of the c.13600_13602delAAG variant is uncertain due to the absence of conclusive functional and genetic evidence.